The following is an entry in ClinVar:

NM_000222.3(KIT):c.1288G>A (p.Ala430Thr)

Gene: KIT (KIT proto-oncogene, receptor tyrosine kinase; plus strand). Cytogenetic location: 4q12.
Variant type: single nucleotide variant.
Coding change: c.1288G>A on transcript NM_000222.3 (MANE Select); coding-DNA position 1288, G replaced by A.
Protein change: p.Ala430Thr; replaces alanine 430 with threonine.
Molecular consequence: missense variant.
Genome position (GRCh38, 1-based): chr4:54,723,640, G>A. VCF-style: chr4-54723640-G-A. GRCh37 (hg19) VCF-style: chr4-55589806-G-A.
Other names: c.1288G>A, p.Ala430Thr (NM_001093772.2, NM_001385285.1, NM_001385286.1); c.1291G>A, p.Ala431Thr (NM_001385284.1, NM_001385288.1, NM_001385290.1 and 1 more transcripts); short protein forms A430T, A431T.
Identifiers: ClinVar variation 409720 (VCV000409720.16), dbSNP rs1060502540, ClinGen allele CA16611595.

ClinVar aggregate classification (germline): Uncertain significance. Review status: criteria provided, multiple submitters, no conflicts (2 of 4 stars). 2 submissions from 2 submitters: Uncertain significance (2). Last evaluated 2025-10-30.

Conditions:
Gastrointestinal stromal tumor. Also called: Gastrointestinal stroma tumor; Gastrointestinal stromal tumor, somatic. Identifiers: Orphanet 44890, MedGen C0238198, MeSH D046152, MONDO:0011719, OMIM 606764, HP:0100723.
Hereditary cancer-predisposing syndrome. Also called: Neoplastic Syndromes, Hereditary; Hereditary Cancer Syndrome; Hereditary neoplastic syndrome; Tumor predisposition. Identifiers: Orphanet 140162, MedGen C0027672, MeSH D009386, MONDO:0015356.

Submissions (2):

Ambry Genetics
Classification: Uncertain significance for Hereditary cancer-predisposing syndrome. Last evaluated: 2025-10-30. Review status: criteria provided, single submitter. Criteria: Ambry Variant Classification Scheme 2023. Collection method: clinical testing. Allele origin: germline.
Comment: The p.A430T variant (also known as c.1288G>A), located in coding exon 8 of the KIT gene, results from a G to A substitution at nucleotide position 1288. The alanine at codon 430 is replaced by threonine, an amino acid with similar properties. This amino acid position is conserved. In addition, this alteration is predicted to be tolerated by in silico analysis. Based on the available evidence, the clinical significance of this variant remains unclear.

Labcorp Genetics (formerly Invitae), Labcorp
Classification: Uncertain significance for Gastrointestinal stromal tumor. Last evaluated: 2018-02-12. Review status: criteria provided, single submitter. Criteria: Invitae Variant Classification Sherloc (09022015). Collection method: clinical testing. Allele origin: germline.
Comment: This sequence change replaces alanine with threonine at codon 430 of the KIT protein (p.Ala430Thr). The alanine residue is highly conserved and there is a small physicochemical difference between alanine and threonine. This variant is not present in population databases (ExAC no frequency). This variant has not been reported in the literature in individuals with KIT-related disease. ClinVar contains an entry for this variant (Variation ID: 409720). Algorithms developed to predict the effect of missense changes on protein structure and function do not agree on the potential impact of this missense change (SIFT: "Deleterious"; PolyPhen-2: "Possibly Damaging"; Align-GVGD: "Class C0"). In summary, the available evidence is currently insufficient to determine the role of this variant in disease. Therefore, it has been classified as a Variant of Uncertain Significance.